The following is an entry in ClinVar:

NM_020774.4(MIB1):c.1479+18A>G

Gene: MIB1 (MIB E3 ubiquitin protein ligase 1; plus strand). Cytogenetic location: 18q11.2.
Variant type: single nucleotide variant.
Coding change: c.1479+18A>G on transcript NM_020774.4 (MANE Select); 18 bases into the intron after coding-DNA position 1479, A replaced by G.
Molecular consequence: intron variant.
Genome position (GRCh38, 1-based): chr18:21,804,032, A>G. VCF-style: chr18-21804032-A-G. GRCh37 (hg19) VCF-style: chr18-19383993-A-G.
Other names: NC_000018.9:g.19383993A>G.
Identifiers: ClinVar variation 384817 (VCV000384817.6), dbSNP rs12605999, ClinGen allele CA8908291.
Genomic context (GRCh38, chr18:21,804,032, plus strand): 5'-TTTGAAGTTACTTTTGAAGCAAAACGTGGATGTCGAAGCAGAGGTAAGTAAACTTGAAAA[A>G]TATTTTAAGTAAACATTTATTTCCTAGAAATAATACTTCTATATCATGAGATGGATTGTT-3'

ClinVar aggregate classification (germline): Benign. Review status: criteria provided, multiple submitters, no conflicts (2 of 4 stars). 4 submissions from 4 submitters: Benign (3). 1 of the submissions does not count toward it. Last evaluated 2016-11-01.

Conditions:
Left ventricular noncompaction 7 (LVNC7). Identifiers: Orphanet 54260, MedGen C3554496, MONDO:0014042, OMIM 615092.

Allele frequency attached by ClinVar (database versions not stated): ESP Exome Variant Server 0.00023; gnomAD 0.00637 and 0.00807; gnomAD exomes 0.00711 and 0.01840; TOPMed 0.00950; ExAC 0.01941; 1000 Genomes Project 30x 0.03029; 1000 Genomes Project 0.03215.
gnomAD v4.1: 11,034 of 1,515,344 alleles (0.73%); highest among the groups gnomAD compares: East Asian, 16%; 584 homozygotes.

Submissions (15):

GeneDx
Classification: Benign. Last evaluated: 2016-11-01. Review status: criteria provided, single submitter. Criteria: GeneDx Variant Classification (06012015). Collection method: clinical testing. Allele origin: germline. Affected: yes.
Comment: This variant is considered likely benign or benign based on one or more of the following criteria: it is a conservative change, it occurs at a poorly conserved position in the protein, it is predicted to be benign by multiple in silico algorithms, and/or has population frequency not consistent with disease.

Clinical Genetics DNA and cytogenetics Diagnostics Lab, Erasmus MC, Erasmus Medical Center
Classification: Benign for Left ventricular noncompaction 7. Last evaluated: 2015-09-21. Review status: criteria provided, single submitter. Criteria: ACGS Guidelines, 2013. Collection method: clinical testing. Allele origin: germline. Affected: yes. Study: VKGL Data-share Consensus.

Breakthrough Genomics
Classification: Benign. Review status: criteria provided, single submitter. Criteria: ACMG Guidelines, 2015. Collection method: not provided. Allele origin: germline. Inheritance: Autosomal dominant inheritance. Affected: yes.

Clinical Genetics, Academic Medical Center
Classification: Benign. Review status: no assertion criteria provided. Collection method: clinical testing. Allele origin: germline. Affected: yes. Study: VKGL Data-share Consensus. Not counted in ClinVar's aggregate classification.

Dr. Peter K. Rogan Lab, Western University
No classification provided (evidence only). Condition: Cervical cancer. Review status: no classification provided. Collection method: in vitro. Allele origin: not applicable. Functional consequence: retained intron. Not counted in ClinVar's aggregate classification.

Dr. Peter K. Rogan Lab, Western University
No classification provided (evidence only). Condition: Hepatocellular carcinoma. Review status: no classification provided. Collection method: in vitro. Allele origin: not applicable. Functional consequence: retained intron. Not counted in ClinVar's aggregate classification.

Dr. Peter K. Rogan Lab, Western University
No classification provided (evidence only). Condition: Gastric cancer. Review status: no classification provided. Collection method: in vitro. Allele origin: not applicable. Functional consequence: retained intron. Not counted in ClinVar's aggregate classification.

Dr. Peter K. Rogan Lab, Western University
No classification provided (evidence only). Condition: Gastric cancer. Review status: no classification provided. Collection method: in vitro. Allele origin: not applicable. Functional consequence: retained intron. Not counted in ClinVar's aggregate classification.

Dr. Peter K. Rogan Lab, Western University
No classification provided (evidence only). Condition: Gastric cancer. Review status: no classification provided. Collection method: in vitro. Allele origin: not applicable. Functional consequence: retained intron. Not counted in ClinVar's aggregate classification.

Dr. Peter K. Rogan Lab, Western University
No classification provided (evidence only). Condition: Gastric cancer. Review status: no classification provided. Collection method: in vitro. Allele origin: not applicable. Functional consequence: retained intron. Not counted in ClinVar's aggregate classification.

Dr. Peter K. Rogan Lab, Western University
No classification provided (evidence only). Condition: Malignant tumor of esophagus. Review status: no classification provided. Collection method: in vitro. Allele origin: not applicable. Functional consequence: retained intron. Not counted in ClinVar's aggregate classification.

Dr. Peter K. Rogan Lab, Western University
No classification provided (evidence only). Condition: Malignant tumor of esophagus. Review status: no classification provided. Collection method: in vitro. Allele origin: not applicable. Functional consequence: retained intron. Not counted in ClinVar's aggregate classification.

Dr. Peter K. Rogan Lab, Western University
No classification provided (evidence only). Condition: Malignant tumor of esophagus. Review status: no classification provided. Collection method: in vitro. Allele origin: not applicable. Functional consequence: retained intron. Not counted in ClinVar's aggregate classification.

Dr. Peter K. Rogan Lab, Western University
No classification provided (evidence only). Condition: Malignant tumor of esophagus. Review status: no classification provided. Collection method: in vitro. Allele origin: not applicable. Functional consequence: retained intron. Not counted in ClinVar's aggregate classification.

Dr. Peter K. Rogan Lab, Western University
No classification provided (evidence only). Condition: Malignant tumor of esophagus. Review status: no classification provided. Collection method: in vitro. Allele origin: not applicable. Functional consequence: retained intron. Not counted in ClinVar's aggregate classification.